The following is an entry in ClinVar:

NM_000843.4(GRM6):c.635G>A (p.Gly212Glu)

Gene: GRM6 (glutamate metabotropic receptor 6; minus strand). Cytogenetic location: 5q35.3.
Variant type: single nucleotide variant.
Coding change: c.635G>A on transcript NM_000843.4 (MANE Select); coding-DNA position 635, G replaced by A.
Protein change: p.Gly212Glu; replaces glycine 212 with glutamic acid.
Molecular consequence: missense variant.
Genome position (GRCh38, 1-based): chr5:178,991,953, C>T on the plus strand (G>A on the coding strand, the complement: GRM6 is on the minus strand). VCF-style: chr5-178991953-C-T. GRCh37 (hg19) VCF-style: chr5-178418954-C-T.
Other names: short protein forms G212E.
Identifiers: ClinVar variation 1501811 (VCV001501811.3), dbSNP rs2113343343, ClinGen allele CA362434112.

ClinVar aggregate classification (germline): Uncertain significance (1 of 4 stars; one submission).

Submission:

Labcorp Genetics (formerly Invitae), Labcorp
Classification: Uncertain significance. Last evaluated: 2021-11-04. Review status: criteria provided, single submitter. Criteria: Invitae Variant Classification Sherloc (09022015). Collection method: clinical testing. Allele origin: germline.
Comment: This sequence change replaces glycine, which is neutral and non-polar, with glutamic acid, which is acidic and polar, at codon 212 of the GRM6 protein (p.Gly212Glu). This variant is not present in population databases (gnomAD no frequency). This variant has not been reported in the literature in individuals affected with GRM6-related conditions. Advanced modeling of protein sequence and biophysical properties (such as structural, functional, and spatial information, amino acid conservation, physicochemical variation, residue mobility, and thermodynamic stability) performed at Invitae indicates that this missense variant is not expected to disrupt GRM6 protein function. In summary, the available evidence is currently insufficient to determine the role of this variant in disease. Therefore, it has been classified as a Variant of Uncertain Significance.